The following is an entry in ClinVar:

ClinVar aggregate classification (germline): Uncertain significance (1 of 4 stars; one submission).

Conditions:
Cardiovascular phenotype. Identifiers: MedGen CN230736.

gnomAD v4.1: 1 of 1,614,040 alleles (0.000062%); highest among the groups gnomAD compares: Non-Finnish European, 0.000085%; no homozygotes.

Submission:

Molecular Diagnostic Laboratory for Inherited Cardiovascular Disease, Montreal Heart Institute
Classification: Uncertain significance for Cardiovascular phenotype. Last evaluated: 2025-07-24. Review status: criteria provided, single submitter. Criteria: ACMG Guidelines, 2015. Collection method: clinical testing. Allele origin: germline. Affected: yes.
Comment: PM2, BP5

NM_004415.4(DSP):c.4067A>T (p.Asp1356Val)

Gene: DSP (desmoplakin; plus strand). Cytogenetic location: 6p24.3.
Variant type: single nucleotide variant.
Coding change: c.4067A>T on transcript NM_004415.4 (MANE Select); coding-DNA position 4067, A replaced by T.
Protein change: p.Asp1356Val; replaces aspartic acid 1356 with valine.
Molecular consequence: missense variant. On other transcripts: intron variant (2).
Genome position (GRCh38, 1-based): chr6:7,580,257, A>T. VCF-style: chr6-7580257-A-T. GRCh37 (hg19) VCF-style: chr6-7580490-A-T.
Other names: c.4050+17A>T (NM_001319034.2); c.3582+485A>T (NM_001008844.3); short protein forms D1356V.
Identifiers: ClinVar variation 4076504 (VCV004076504.1), dbSNP rs1759381966.